The following is an entry in ClinVar:

NM_020975.6(RET):c.2542A>T (p.Met848Leu)

Gene: RET (ret proto-oncogene; plus strand). Cytogenetic location: 10q11.21.
Variant type: single nucleotide variant.
Coding change: c.2542A>T on transcript NM_020975.6 (MANE Select); coding-DNA position 2542, A replaced by T.
Protein change: p.Met848Leu; replaces methionine 848 with leucine.
Molecular consequence: missense variant.
Genome position (GRCh38, 1-based): chr10:43,119,680, A>T. VCF-style: chr10-43119680-A-T. GRCh37 (hg19) VCF-style: chr10-43615128-A-T.
Other names: c.2542A>T, p.Met848Leu (NM_000323.2, NM_001406743.1, NM_001406744.1 and 4 more transcripts); c.1780A>T, p.Met594Leu (NM_001355216.2); c.2413A>T, p.Met805Leu (NM_001406761.1, NM_001406762.1, NM_001406764.1); c.2407A>T, p.Met803Leu (NM_001406763.1, NM_001406765.1); c.2254A>T, p.Met752Leu (NM_001406766.1, NM_001406767.1, NM_001406770.1); c.2278A>T, p.Met760Leu (NM_001406768.1); c.2146A>T, p.Met716Leu (NM_001406769.1, NM_001406772.1); c.2104A>T, p.Met702Leu (NM_001406771.1, NM_001406773.1); and 10 more; short protein forms M594L, M848L, M453L, M702L, M716L, M752L, M803L, M413L.
Identifiers: ClinVar variation 662586 (VCV000662586.17), dbSNP rs794728685, ClinGen allele CA376556517.

ClinVar aggregate classification (germline): Uncertain significance. Review status: criteria provided, multiple submitters, no conflicts (2 of 4 stars). 4 submissions from 4 submitters: Uncertain significance (4). Last evaluated 2025-09-08.

Conditions:
Hereditary cancer-predisposing syndrome. Also called: Neoplastic Syndromes, Hereditary; Tumor predisposition; Hereditary neoplastic syndrome; Hereditary Cancer Syndrome. Identifiers: Orphanet 140162, MedGen C0027672, MeSH D009386, MONDO:0015356.
Hirschsprung disease, susceptibility to, 1 (HSCR1). Also called: RET-Related Hirschsprung Disease. Identifiers: Orphanet 388, MedGen C3888239, MONDO:0007723, OMIM 142623.
Multiple endocrine neoplasia, type 2 (MEN2). Identifiers: Orphanet 653, MedGen C4048306, MONDO:0019003. Disease mechanism: gain of function.

gnomAD v4.1: 7 of 1,613,458 alleles (0.00043%); highest among the groups gnomAD compares: Non-Finnish European, 0.00059%; no homozygotes.

Submissions (4):

Labcorp Genetics (formerly Invitae), Labcorp
Classification: Uncertain significance for Multiple endocrine neoplasia, type 2. Last evaluated: 2025-09-08. Review status: criteria provided, single submitter. Criteria: Invitae Variant Classification Sherloc (09022015). Collection method: clinical testing. Allele origin: germline.
Comment: This sequence change replaces methionine, which is neutral and non-polar, with leucine, which is neutral and non-polar, at codon 848 of the RET protein (p.Met848Leu). This variant is not present in population databases (gnomAD no frequency). This variant has not been reported in the literature in individuals affected with RET-related conditions. ClinVar contains an entry for this variant (Variation ID: 662586). An algorithm developed to predict the effect of missense changes on protein structure and function (PolyPhen-2) suggests that this variant is likely to be tolerated. In summary, the available evidence is currently insufficient to determine the role of this variant in disease. Therefore, it has been classified as a Variant of Uncertain Significance.

Ambry Genetics
Classification: Uncertain significance for Hereditary cancer-predisposing syndrome. Last evaluated: 2025-01-24. Review status: criteria provided, single submitter. Criteria: Ambry Variant Classification Scheme 2023. Collection method: clinical testing. Allele origin: germline.
Comment: The p.M848L variant (also known as c.2542A>T), located in coding exon 14 of the RET gene, results from an A to T substitution at nucleotide position 2542. The methionine at codon 848 is replaced by leucine, an amino acid with highly similar properties. This amino acid position is well conserved in available vertebrate species. In addition, the in silico prediction for this alteration is inconclusive. Since supporting evidence is limited at this time, the clinical significance of this alteration remains unclear.

Baylor Genetics
Classification: Uncertain significance for Hirschsprung disease, susceptibility to, 1. Last evaluated: 2024-02-22. Review status: criteria provided, single submitter. Criteria: ACMG Guidelines, 2015. Collection method: clinical testing. Allele origin: unknown.

All of Us Research Program, National Institutes of Health
Classification: Uncertain significance for Multiple endocrine neoplasia, type 2. Last evaluated: 2023-05-04. Review status: criteria provided, single submitter. Criteria: ACMG Guidelines, 2015. Collection method: clinical testing. Allele origin: germline. Inheritance: Autosomal dominant inheritance. Observed: 1 variant allele, 1 heterozygote.
Comment: This missense variant replaces methionine with leucine at codon 848 of the RET protein. Computational prediction is inconclusive regarding the impact of this variant on protein structure and function (internally defined REVEL score threshold 0.5 < inconclusive < 0.7, PMID: 27666373). To our knowledge, functional studies have not been reported for this variant. This variant has not been reported in individuals affected with hereditary cancer in the literature. This variant has not been identified in the general population by the Genome Aggregation Database (gnomAD). The available evidence is insufficient to determine the role of this variant in disease conclusively. Therefore, this variant is classified as a Variant of Uncertain Significance.

This study involves interpretation of variants in research participants for the purpose of population health screening. Participant phenotype was not available at the time of variant classification. Additional details can be found in publication PMID: 35346344, PMCID: PMC8962531